The following is an entry in ClinVar:

ClinVar aggregate classification (germline): Pathogenic (1 of 4 stars; one submission).

Conditions:
Combined immunodeficiency due to LRBA deficiency. Also called: Common variable immunodeficiency 8, with autoimmunity. Identifiers: Orphanet 445018, MedGen C3553512, MONDO:0013863, OMIM 614700.

Submission:

Labcorp Genetics (formerly Invitae), Labcorp
Classification: Pathogenic for Combined immunodeficiency due to LRBA deficiency. Last evaluated: 2025-02-28. Review status: criteria provided, single submitter. Criteria: Invitae Variant Classification Sherloc (09022015). Collection method: clinical testing. Allele origin: germline.
Comment: This sequence change creates a premature translational stop signal (p.Lys2358Argfs*3) in the LRBA gene. It is expected to result in an absent or disrupted protein product. Loss-of-function variants in LRBA are known to be pathogenic (PMID: 26206937, 26768763). This variant is not present in population databases (gnomAD no frequency). This variant has not been reported in the literature in individuals affected with LRBA-related conditions. For these reasons, this variant has been classified as Pathogenic.

Literature cited by the submitters: PubMed 26206937; PubMed 26768763.

NM_001364905.1(LRBA):c.7040del (p.Lys2347fs)

Gene: LRBA (LPS responsive beige-like anchor protein; minus strand). Cytogenetic location: 4q31.3.
Variant type: Deletion.
Coding change: c.7040del on transcript NM_001364905.1 (MANE Select); coding-DNA position 7040, one base deleted (A; older notation c.7040delA).
Protein change: p.Lys2347fs; shifts the reading frame from lysine 2347.
Molecular consequence: frameshift variant.
Genome position (GRCh38, 1-based): chr4:150,435,590, T deleted on the plus strand (A on the coding strand, the reverse complement: LRBA is on the minus strand); the first of 2 consecutive T bases (chr4:150,435,590-150,435,591); deleting either gives the same sequence. VCF-style (leftmost placement, unchanged base first): chr4-150435589-CT-C. GRCh37 (hg19) VCF-style: chr4-151356741-CT-C.
Other names: c.7040del, p.Lys2347fs (NM_001199282.3, NM_001367550.1, NM_001440431.1); c.7073del, p.Lys2358fs (NM_001440430.1, NM_006726.5); c.743del, p.Lys248fs (NM_001440432.1); c.737del, p.Lys246fs (NM_001440433.1); short protein forms K2358fs, K246fs, K248fs, K2347fs.
Identifiers: ClinVar variation 4714102 (VCV004714102.1).